The following is an entry in ClinVar:

NM_001128228.3(TPRN):c.493_501del (p.Ala165_Pro167del)

Gene: TPRN (taperin; minus strand). Cytogenetic location: 9q34.3.
Variant type: Deletion.
Coding change: c.493_501del on transcript NM_001128228.3 (MANE Select); coding-DNA positions 493 to 501, 9 bases deleted (GCGCCGCCC; older notation c.493_501delGCGCCGCCC).
Protein change: p.Ala165_Pro167del.
Molecular consequence: inframe deletion.
Genome position (GRCh38, 1-based): chr9:137,200,211-137,200,219, GGGCGGCGC deleted on the plus strand (GCGCCGCCC on the coding strand, the reverse complement: TPRN is on the minus strand); deleting any 9 consecutive bases within chr9:137,200,211-137,200,227 gives the same sequence; the c. name uses the placement nearest the transcript's 3' end. VCF-style (leftmost placement, unchanged base first): chr9-137200210-GGGGCGGCGC-G. GRCh37 (hg19) VCF-style: chr9-140094662-GGGGCGGCGC-G.
Identifiers: ClinVar variation 3607622 (VCV003607622.2).
Genomic context (GRCh38, chr9:137,200,210, plus strand): 5'-TCGCCCCGCCACCGCGGGGCCCGGGCGCGGCGGGCGGGCTGGGGGCCGCGGGCGGGGGCC[GGGGCGGCGC>G]GGGCGGCGGCGGCGGCGGCGGGGGGCGGGCGCGCTCGGGGCTCCCGCGGCGGCGCGGCGC-3'

ClinVar aggregate classification (germline): Uncertain significance (1 of 4 stars; one submission).

Submission:

Labcorp Genetics (formerly Invitae), Labcorp
Classification: Uncertain significance. Last evaluated: 2024-04-07. Review status: criteria provided, single submitter. Criteria: Invitae Variant Classification Sherloc (09022015). Collection method: clinical testing. Allele origin: germline.
Comment: This variant, c.493_501del, results in the deletion of 3 amino acid(s) of the TPRN protein (p.Ala165_Pro167del), but otherwise preserves the integrity of the reading frame. The frequency data for this variant in the population databases is considered unreliable, as metrics indicate poor data quality at this position in the gnomAD database. This variant has not been reported in the literature in individuals affected with TPRN-related conditions. Experimental studies and prediction algorithms are not available or were not evaluated, and the functional significance of this variant is currently unknown. In summary, the available evidence is currently insufficient to determine the role of this variant in disease. Therefore, it has been classified as a Variant of Uncertain Significance.